The following is an entry in ClinVar:

NM_004006.3(DMD):c.1821A>T (p.Lys607Asn)

Gene: DMD (dystrophin; minus strand). Cytogenetic location: Xp21.1.
Variant type: single nucleotide variant.
Coding change: c.1821A>T on transcript NM_004006.3 (MANE Select); coding-DNA position 1821, A replaced by T.
Protein change: p.Lys607Asn; replaces lysine 607 with asparagine.
Molecular consequence: missense variant.
Genome position (GRCh38, 1-based): chrX:32,565,873, T>A on the plus strand (A>T on the coding strand, the complement: DMD is on the minus strand). VCF-style: chrX-32565873-T-A. GRCh37 (hg19) VCF-style: chrX-32583990-T-A.
Other names: c.1797A>T, p.Lys599Asn (NM_000109.4); c.1809A>T, p.Lys603Asn (NM_004009.3); c.1452A>T, p.Lys484Asn (NM_004010.3); short protein forms K484N, K603N, K599N, K607N.
Identifiers: ClinVar variation 952042 (VCV000952042.10), dbSNP rs1449874137, ClinGen allele CA412673033.

ClinVar aggregate classification (germline): Uncertain significance (1 of 4 stars; one submission).

Conditions:
Duchenne muscular dystrophy (DMD). Also called: MUSCULAR DYSTROPHY, PSEUDOHYPERTROPHIC PROGRESSIVE, DUCHENNE TYPE; Duchenne Muscular Dystrophy (DMD). Identifiers: Orphanet 98896, MedGen C0013264, MONDO:0010679, OMIM 310200.

Allele frequency attached by ClinVar (database versions not stated): gnomAD exomes below 0.00001 and 0.00001.
gnomAD v4.1: 2 of 1,209,336 alleles (0.00017%); highest among the groups gnomAD compares: East Asian, 0.003%; no homozygotes.

Submission:

Labcorp Genetics (formerly Invitae), Labcorp
Classification: Uncertain significance for Duchenne muscular dystrophy. Last evaluated: 2025-09-05. Review status: criteria provided, single submitter. Criteria: Invitae Variant Classification Sherloc (09022015). Collection method: clinical testing. Allele origin: germline.
Comment: This sequence change replaces lysine, which is basic and polar, with asparagine, which is neutral and polar, at codon 607 of the DMD protein (p.Lys607Asn). This variant is present in population databases (no rsID available, gnomAD 0.008%). This variant has not been reported in the literature in individuals affected with DMD-related conditions. ClinVar contains an entry for this variant (Variation ID: 952042). Invitae Evidence Modeling of protein sequence and biophysical properties (such as structural, functional, and spatial information, amino acid conservation, physicochemical variation, residue mobility, and thermodynamic stability) indicates that this missense variant is not expected to disrupt DMD protein function with a negative predictive value of 95%. In summary, the available evidence is currently insufficient to determine the role of this variant in disease. Therefore, it has been classified as a Variant of Uncertain Significance.